The following is an entry in ClinVar:

NM_001006630.2(CHRM2):c.794C>T (p.Ala265Val)

Genes: CHRM2 (cholinergic receptor muscarinic 2; plus strand), LOC349160 (uncharacterized LOC349160; minus strand). Cytogenetic location: 7q33.
Variant type: single nucleotide variant.
Coding change: c.794C>T on transcript NM_001006630.2 (MANE Select); coding-DNA position 794, C replaced by T.
Protein change: p.Ala265Val; replaces alanine 265 with valine.
Molecular consequence: missense variant.
Genome position (GRCh38, 1-based): chr7:137,015,659, C>T. VCF-style: chr7-137015659-C-T. GRCh37 (hg19) VCF-style: chr7-136700406-C-T.
Other names: c.794C>T, p.Ala265Val (NM_000739.3, NM_001006626.3, NM_001006627.3 and 6 more transcripts); short protein forms A265V.
Identifiers: ClinVar variation 504934 (VCV000504934.8), dbSNP rs1554437349, ClinGen allele CA369487296.

ClinVar aggregate classification (germline): Uncertain significance. Review status: criteria provided, multiple submitters, no conflicts (2 of 4 stars). 3 submissions from 3 submitters: Uncertain significance (3). Last evaluated 2025-12-16.

Allele frequency attached by ClinVar (database versions not stated): gnomAD exomes below 0.00001.
gnomAD v4.1: 10 of 1,612,966 alleles (0.00062%); highest among the groups gnomAD compares: East Asian, 0.011%; no homozygotes.

Submissions (3):

Labcorp Genetics (formerly Invitae), Labcorp
Classification: Uncertain significance. Last evaluated: 2025-12-16. Review status: criteria provided, single submitter. Criteria: Invitae Variant Classification Sherloc (09022015). Collection method: clinical testing. Allele origin: germline.
Comment: This sequence change replaces alanine, which is neutral and non-polar, with valine, which is neutral and non-polar, at codon 265 of the CHRM2 protein (p.Ala265Val). This variant is not present in population databases (gnomAD no frequency). This variant has not been reported in the literature in individuals affected with CHRM2-related conditions. ClinVar contains an entry for this variant (Variation ID: 504934). An algorithm developed to predict the effect of missense changes on protein structure and function (PolyPhen-2) suggests that this variant is likely to be tolerated. In summary, the available evidence is currently insufficient to determine the role of this variant in disease. Therefore, it has been classified as a Variant of Uncertain Significance.

Blueprint Genetics
Classification: Uncertain significance. Last evaluated: 2023-06-08. Review status: criteria provided, single submitter. Criteria: ACMG Guidelines, 2015. Collection method: clinical testing. Allele origin: germline.

Laboratory for Molecular Medicine, Mass General Brigham Personalized Medicine
Classification: Uncertain significance. Last evaluated: 2016-04-14. Review status: criteria provided, single submitter. Criteria: LMM Criteria. Collection method: clinical testing. Allele origin: germline. Observed: 1 variant allele.
Comment: The p.Ala265Val variant in CHRM2 has not been previously reported in individuals with cardiomyopathy or in large population studies. Computational prediction t ools and conservation analysis suggest that the p.Ala265Val variant may not impa ct the protein, though this information is not predictive enough to rule out pat hogenicity. In summary, the clinical significance of the p.Ala265Val variant is uncertain.